The following is an entry in ClinVar:

NM_015910.7(WDPCP):c.1436-7G>C

Gene: WDPCP (WD repeat containing planar cell polarity effector; minus strand). Cytogenetic location: 2p15.
Variant type: single nucleotide variant.
Coding change: c.1436-7G>C on transcript NM_015910.7 (MANE Select); 7 bases into the intron before coding-DNA position 1436, G replaced by C.
Molecular consequence: intron variant.
Genome position (GRCh38, 1-based): chr2:63,382,101, C>G on the plus strand (G>C on the coding strand, the complement: WDPCP is on the minus strand). VCF-style: chr2-63382101-C-G. GRCh37 (hg19) VCF-style: chr2-63609236-C-G.
Other names: c.1364-7G>C (NM_001354044.2); c.959-7G>C (NM_001042692.3); c.1436-7G>C (NM_001354045.2).
Identifiers: ClinVar variation 5001676 (VCV005001676.1).

ClinVar aggregate classification (germline): Likely benign (1 of 4 stars; one submission).

Conditions:
WDPCP-related disorder. Also called: WDPCP-related condition.

gnomAD v4.1: 5 of 1,610,952 alleles (0.00031%); highest among the groups gnomAD compares: Admixed American, 0.0017%; no homozygotes.

Submission:

PreventionGenetics, part of Exact Sciences
Classification: Likely benign for WDPCP-related condition. Last evaluated: 2026-06-15. Review status: criteria provided, single submitter. Criteria: ACMG Guidelines, 2015. Collection method: clinical testing. Allele origin: germline.
Comment: This variant is classified as likely benign based on ACMG/AMP sequence variant interpretation guidelines (Richards et al. 2015 PMID: 25741868, with internal and published modifications).